The following is an entry in ClinVar:

ClinVar aggregate classification (germline): Uncertain significance (1 of 4 stars; one submission).

Conditions:
Ehlers-Danlos syndrome, type 4 (EDSVASC). Also called: Ehlers-Danlos syndrome vascular type; Ehlers Danlos syndrome, ecchymotic type; Ehlers Danlos syndrome, arterial type; Ehlers Danlos syndrome, Sack-Barabas type; Ehlers-Danlos Syndrome Type IV. Identifiers: Orphanet 286, MedGen C0268338, MONDO:0017314, OMIM 130050.

Submission:

Labcorp Genetics (formerly Invitae), Labcorp
Classification: Uncertain significance for Ehlers-Danlos syndrome, type 4. Last evaluated: 2025-03-25. Review status: criteria provided, single submitter. Criteria: Invitae Variant Classification Sherloc (09022015). Collection method: clinical testing. Allele origin: germline.
Comment: This sequence change replaces alanine, which is neutral and non-polar, with glycine, which is neutral and non-polar, at codon 985 of the COL3A1 protein (p.Ala985Gly). This variant is not present in population databases (gnomAD no frequency). This variant has not been reported in the literature in individuals affected with COL3A1-related conditions. Invitae Evidence Modeling of protein sequence and biophysical properties (such as structural, functional, and spatial information, amino acid conservation, physicochemical variation, residue mobility, and thermodynamic stability) indicates that this missense variant is not expected to disrupt COL3A1 protein function with a negative predictive value of 95%. In summary, the available evidence is currently insufficient to determine the role of this variant in disease. Therefore, it has been classified as a Variant of Uncertain Significance.

NM_000090.4(COL3A1):c.2954C>G (p.Ala985Gly)

Gene: COL3A1 (collagen type III alpha 1 chain; plus strand). Cytogenetic location: 2q32.2.
Variant type: single nucleotide variant.
Coding change: c.2954C>G on transcript NM_000090.4 (MANE Select); coding-DNA position 2954, C replaced by G.
Protein change: p.Ala985Gly; replaces alanine 985 with glycine.
Molecular consequence: missense variant.
Genome position (GRCh38, 1-based): chr2:189,005,372, C>G. VCF-style: chr2-189005372-C-G. GRCh37 (hg19) VCF-style: chr2-189870098-C-G.
Other names: short protein forms A985G.
Identifiers: ClinVar variation 4752362 (VCV004752362.1).